The following is an entry in ClinVar:

ClinVar aggregate classification (germline): Likely pathogenic. Review status: reviewed by expert panel (3 of 4 stars). 4 submissions from 4 submitters: Likely pathogenic (1). 3 of the submissions do not count toward it. Last evaluated 2022-12-14.

Conditions:
Very long chain acyl-CoA dehydrogenase deficiency (ACADVLD). Also called: VLCAD Deficiency; Very Long-Chain Acyl-Coenzyme A Dehydrogenase Deficiency. Identifiers: Orphanet 26793, MedGen C3887523, MONDO:0008723, OMIM 201475.

Allele frequency attached by ClinVar (database versions not stated): gnomAD exomes below 0.00001 and 0.00001; gnomAD 0.00001.

Submissions (4):

ClinGen ACADVL Variant Curation Expert Panel, ClinGen
Classification: Likely pathogenic for Very long chain acyl-CoA dehydrogenase deficiency. Last evaluated: 2022-12-14. Review status: reviewed by expert panel. Criteria: clingen acadvl acmg specifications v1. Collection method: curation. Allele origin: germline. Inheritance: Autosomal recessive inheritance.
Comment: The c.1368dup (p.Ile457fs) also known as (p.Ile457HisfsTer6) variant in ACADVL is a frameshift variant predicted to cause a premature stop codon in biologically-relevant-exon14/20 leading to nonsense mediated decay in a gene in which loss-of-function is an established disease mechanism (PVS1; PMIDs 9973285, 11590124). At least one individual with this variant was identified by newborn screen, but this information is insufficient for to use toward classification (PMID: 26385305). The highest population minor allele frequency in gnomAD v2.1.1 is 0.00001549 in the European (non-Finnish) population, which is lower than the ClinGen ACADVL Variant Curation Expert Panel threshold (<0.001) for PM2_Supporting, meeting this criterion (PM2_Supporting). In summary, this variant meets the criteria to be classified as likely pathogenic for autosomal recessive VLCAD deficiency based on the ACMG/AMP criteria applied, as specified by the ClinGen ACADVL Variant Curation Expert Panel: PVS1, PM2_Supporting (VCEP specifications version1; approved November 8, 2021)

Labcorp Genetics (formerly Invitae), Labcorp
Classification: Pathogenic for Very long chain acyl-CoA dehydrogenase deficiency. Last evaluated: 2024-10-28. Review status: criteria provided, single submitter. Criteria: Invitae Variant Classification Sherloc (09022015). Collection method: clinical testing. Allele origin: germline. Not counted in ClinVar's aggregate classification.
Comment: This sequence change creates a premature translational stop signal (p.Ile457Hisfs*6) in the ACADVL gene. It is expected to result in an absent or disrupted protein product. Loss-of-function variants in ACADVL are known to be pathogenic (PMID: 9973285, 11590124). This variant is present in population databases (no rsID available, gnomAD 0.002%). This premature translational stop signal has been observed in individual(s) with a positive newborn screening result for ACADVL-related disease (PMID: 26385305). ClinVar contains an entry for this variant (Variation ID: 661308). For these reasons, this variant has been classified as Pathogenic.

Baylor Genetics
Classification: Likely pathogenic for Very long chain acyl-CoA dehydrogenase deficiency. Last evaluated: 2023-04-19. Review status: criteria provided, single submitter. Criteria: ACMG Guidelines, 2015. Collection method: clinical testing. Allele origin: unknown. Not counted in ClinVar's aggregate classification.

Wong Mito Lab, Molecular and Human Genetics, Baylor College of Medicine
Classification: Pathogenic for Very long chain acyl-CoA dehydrogenase deficiency. Last evaluated: 2019-11-01. Review status: criteria provided, single submitter. Criteria: ACMG Guidelines, 2015. Collection method: clinical testing. Allele origin: germline. Not counted in ClinVar's aggregate classification.
Comment: The NM_000018.3:c.1368dupC (NP_000009.1:p.Ile457HisfsTer6) [GRCH38: NC_000017.11:g.7224003dup] variant in ACADVL gene is interpretated to be Pathogenic based on ACMG guidelines (PMID: 25741868). This variant has been reported. This variant meets the following evidence codes reported in the ACMG guidelines: PVS1, PS3

Literature cited by the submitters: PubMed 9973285 (cited by Labcorp Genetics (formerly Invitae), Labcorp); PubMed 11590124 (cited by Labcorp Genetics (formerly Invitae), Labcorp); PubMed 26385305 (cited by Labcorp Genetics (formerly Invitae), Labcorp).

NM_000018.4(ACADVL):c.1368dup (p.Ile457fs)

Gene: ACADVL (acyl-CoA dehydrogenase very long chain; plus strand). Cytogenetic location: 17p13.1.
Variant type: Duplication.
Coding change: c.1368dup on transcript NM_000018.4 (MANE Select); coding-DNA position 1368, one base duplicated (C; older notation c.1368dupC).
Protein change: p.Ile457fs; shifts the reading frame from isoleucine 457.
Molecular consequence: frameshift variant.
Genome position (GRCh38, 1-based): chr17:7,224,003, C duplicated. VCF-style (leftmost placement, unchanged base first): chr17-7224002-G-GC. GRCh37 (hg19) VCF-style: chr17-7127321-G-GC.
Other names: NM_000018.4(ACADVL):c.1368dup; p.Ile457fs; c.1302dup, p.Ile435fs (NM_001033859.3); c.1437dup, p.Ile480fs (NM_001270447.2); c.1140dup, p.Ile381fs (NM_001270448.2); c.1368dupC (NM_000018.3); short protein forms I381fs, I457fs, I480fs, I435fs.
Identifiers: ClinVar variation 661308 (VCV000661308.13), dbSNP rs1175359422, ClinGen allele CA624860703.